The following is an entry in ClinVar:

NM_000435.3(NOTCH3):c.1605G>A (p.Glu535=)

Gene: NOTCH3 (notch receptor 3; minus strand). Cytogenetic location: 19p13.12.
Variant type: single nucleotide variant.
Coding change: c.1605G>A on transcript NM_000435.3 (MANE Select); coding-DNA position 1605, G replaced by A.
Protein change: p.Glu535=; no amino-acid change (glutamic acid 535 retained).
Molecular consequence: synonymous variant.
Genome position (GRCh38, 1-based): chr19:15,187,882, C>T on the plus strand (G>A on the coding strand, the complement: NOTCH3 is on the minus strand). VCF-style: chr19-15187882-C-T. GRCh37 (hg19) VCF-style: chr19-15298693-C-T.
Identifiers: ClinVar variation 4085399 (VCV004085399.8).

ClinVar aggregate classification (germline): Likely benign (1 of 4 stars; one submission).

gnomAD v4.1: 1 of 1,548,484 alleles (0.000065%); no homozygotes.

Submission:

CeGaT Center for Human Genetics Tuebingen
Classification: Likely benign. Last evaluated: 2025-07-01. Review status: criteria provided, single submitter. Criteria: CeGaT Center For Human Genetics Tuebingen Variant Classification Criteria Version 2. Collection method: clinical testing. Allele origin: germline. Affected: yes. Observed: 1 variant allele.
Comment: NOTCH3: BP4, BP7